The following is an entry in ClinVar:

ClinVar aggregate classification (germline): Uncertain significance (1 of 4 stars; one submission).

Conditions:
Hypertrophic cardiomyopathy. Also called: HYPERTROPHIC MYOCARDIOPATHY. Identifiers: Orphanet 217569, MedGen C0007194, MeSH D002312, MONDO:0005045, HP:0001639.

Submission:

Labcorp Genetics (formerly Invitae), Labcorp
Classification: Uncertain significance for Hypertrophic cardiomyopathy. Last evaluated: 2025-10-03. Review status: criteria provided, single submitter. Criteria: Invitae Variant Classification Sherloc (09022015). Collection method: clinical testing. Allele origin: germline.
Comment: This sequence change replaces glycine, which is neutral and non-polar, with aspartic acid, which is acidic and polar, at codon 228 of the MYOZ2 protein (p.Gly228Asp). This variant is not present in population databases (gnomAD no frequency). This variant has not been reported in the literature in individuals affected with MYOZ2-related conditions. Invitae Evidence Modeling of protein sequence and biophysical properties (such as structural, functional, and spatial information, amino acid conservation, physicochemical variation, residue mobility, and thermodynamic stability) indicates that this missense variant is not expected to disrupt MYOZ2 protein function with a negative predictive value of 80%. In summary, the available evidence is currently insufficient to determine the role of this variant in disease. Therefore, it has been classified as a Variant of Uncertain Significance.

NM_016599.5(MYOZ2):c.683G>A (p.Gly228Asp)

Gene: MYOZ2 (myozenin 2; plus strand). Cytogenetic location: 4q26.
Variant type: single nucleotide variant.
Coding change: c.683G>A on transcript NM_016599.5 (MANE Select); coding-DNA position 683, G replaced by A.
Protein change: p.Gly228Asp; replaces glycine 228 with aspartic acid.
Molecular consequence: missense variant. On other transcripts: 3 prime UTR variant (1).
Genome position (GRCh38, 1-based): chr4:119,186,088, G>A. VCF-style: chr4-119186088-G-A. GRCh37 (hg19) VCF-style: chr4-120107243-G-A.
Other names: c.*96G>A (NM_001440645.1); short protein forms G228D.
Identifiers: ClinVar variation 4696157 (VCV004696157.1).